The following is an entry in ClinVar:

ClinVar aggregate classification (germline): Uncertain significance (1 of 4 stars; one submission).

Allele frequency attached by ClinVar (database versions not stated): ESP Exome Variant Server 0.00008.
gnomAD v4.1: 14 of 1,612,042 alleles (0.00087%); highest among the groups gnomAD compares: African/African-American, 0.0027%; no homozygotes.

Submission:

Labcorp Genetics (formerly Invitae), Labcorp
Classification: Uncertain significance. Last evaluated: 2024-01-05. Review status: criteria provided, single submitter. Criteria: Invitae Variant Classification Sherloc (09022015). Collection method: clinical testing. Allele origin: germline.
Comment: This sequence change replaces glycine, which is neutral and non-polar, with arginine, which is basic and polar, at codon 463 of the ACO2 protein (p.Gly463Arg). This variant is present in population databases (rs2006715, gnomAD 0.008%). This missense change has been observed in individual(s) with clinical features of ACO2-related conditions (PMID: 34056600). ClinVar contains an entry for this variant (Variation ID: 1369903). Advanced modeling of protein sequence and biophysical properties (such as structural, functional, and spatial information, amino acid conservation, physicochemical variation, residue mobility, and thermodynamic stability) performed at Invitae indicates that this missense variant is expected to disrupt ACO2 protein function with a positive predictive value of 95%. In summary, the available evidence is currently insufficient to determine the role of this variant in disease. Therefore, it has been classified as a Variant of Uncertain Significance.

Literature cited by the submitters: PubMed 34056600.

NM_001098.3(ACO2):c.1387G>C (p.Gly463Arg)

Gene: ACO2 (aconitase 2; plus strand). Cytogenetic location: 22q13.2.
Variant type: single nucleotide variant.
Coding change: c.1387G>C on transcript NM_001098.3 (MANE Select); coding-DNA position 1387, G replaced by C.
Protein change: p.Gly463Arg; replaces glycine 463 with arginine.
Molecular consequence: missense variant.
Genome position (GRCh38, 1-based): chr22:41,523,846, G>C. VCF-style: chr22-41523846-G-C. GRCh37 (hg19) VCF-style: chr22-41919850-G-C.
Other names: short protein forms G463R.
Identifiers: ClinVar variation 1369903 (VCV001369903.8), dbSNP rs2006715, ClinGen allele CA10257639.